The following is an entry in ClinVar:

ClinVar aggregate classification (germline): Uncertain significance (1 of 4 stars; one submission).

Conditions:
Hypermethioninemia with deficiency of S-adenosylhomocysteine hydrolase. Identifiers: Orphanet 88618, MedGen C3151058, MONDO:0013404, OMIM 613752.

Allele frequency attached by ClinVar (database versions not stated): gnomAD 0.00001 and 0.00002; gnomAD exomes 0.00001; ExAC 0.00002; TOPMed 0.00002.
gnomAD v4.1: 12 of 1,613,836 alleles (0.00074%); highest among the groups gnomAD compares: African/African-American, 0.004%; no homozygotes.

Submission:

Labcorp Genetics (formerly Invitae), Labcorp
Classification: Uncertain significance for Hypermethioninemia with deficiency of S-adenosylhomocysteine hydrolase. Last evaluated: 2023-11-27. Review status: criteria provided, single submitter. Criteria: Invitae Variant Classification Sherloc (09022015). Collection method: clinical testing. Allele origin: germline.
Comment: This sequence change replaces isoleucine, which is neutral and non-polar, with valine, which is neutral and non-polar, at codon 240 of the AHCY protein (p.Ile240Val). This variant is present in population databases (rs747198963, gnomAD 0.005%). This variant has not been reported in the literature in individuals affected with AHCY-related conditions. ClinVar contains an entry for this variant (Variation ID: 1370222). Advanced modeling of protein sequence and biophysical properties (such as structural, functional, and spatial information, amino acid conservation, physicochemical variation, residue mobility, and thermodynamic stability) performed at Invitae indicates that this missense variant is not expected to disrupt AHCY protein function with a negative predictive value of 80%. In summary, the available evidence is currently insufficient to determine the role of this variant in disease. Therefore, it has been classified as a Variant of Uncertain Significance.

NM_000687.4(AHCY):c.718A>G (p.Ile240Val)

Gene: AHCY (adenosylhomocysteinase; minus strand). Cytogenetic location: 20q11.22.
Variant type: single nucleotide variant.
Coding change: c.718A>G on transcript NM_000687.4 (MANE Select); coding-DNA position 718, A replaced by G.
Protein change: p.Ile240Val; replaces isoleucine 240 with valine.
Molecular consequence: missense variant.
Genome position (GRCh38, 1-based): chr20:34,290,779, T>C on the plus strand (A>G on the coding strand, the complement: AHCY is on the minus strand). VCF-style: chr20-34290779-T-C. GRCh37 (hg19) VCF-style: chr20-32878585-T-C.
Other names: c.634A>G, p.Ile212Val (NM_001161766.2, NM_001322084.2, NM_001322085.2); c.724A>G, p.Ile242Val (NM_001322086.2); c.718A>G, p.Ile240Val (NM_001362750.2); short protein forms I240V, I242V, I212V.
Identifiers: ClinVar variation 1370222 (VCV001370222.5), dbSNP rs747198963, ClinGen allele CA9820913.
Genomic context (GRCh38, chr20:34,290,779, plus strand): 5'-GCCCTATCCTACCCTCCATGGCAGCCTGCAGTGCGTTGATGGGGTCAATCTCGGTGATGA[T>C]GACGCGGGCTCCGAAACCCCGCAGGGCCTGGGCACAGCCCTTGCCCACATCACCATAGCC-3'
Protein context (NP_000678.1, residues 230-250): QALRGFGARV[Ile240Val]ITEIDPINAL